The following is an entry in ClinVar:

ClinVar aggregate classification (germline): Uncertain significance (1 of 4 stars; one submission).

Conditions:
MAGEL2-related disorder. Also called: MAGEL2-related condition.

Allele frequency attached by ClinVar (database versions not stated): gnomAD exomes below 0.00001.

Submission:

PreventionGenetics, part of Exact Sciences
Classification: Uncertain significance for MAGEL2-related condition. Last evaluated: 2023-06-19. Review status: criteria provided, single submitter. Criteria: ACMG Guidelines, 2015. Collection method: clinical testing. Allele origin: germline.
Comment: The MAGEL2 c.875C>T variant is predicted to result in the amino acid substitution p.Pro292Leu. To our knowledge, this variant has not been reported in the literature. This variant is reported in one out of ~141,000 alleles in gnomAD. At this time, the clinical significance of this variant is uncertain due to the absence of conclusive functional and genetic evidence.

NM_019066.5(MAGEL2):c.875C>T (p.Pro292Leu)

Gene: MAGEL2 (MAGE family member L2; minus strand). Cytogenetic location: 15q11.2.
Variant type: single nucleotide variant.
Coding change: c.875C>T on transcript NM_019066.5 (MANE Select); coding-DNA position 875, C replaced by T.
Protein change: p.Pro292Leu; replaces proline 292 with leucine.
Molecular consequence: missense variant.
Genome position (GRCh38, 1-based): chr15:23,646,868, G>A on the plus strand (C>T on the coding strand, the complement: MAGEL2 is on the minus strand). VCF-style: chr15-23646868-G-A. GRCh37 (hg19) VCF-style: chr15-23892015-G-A.
Other names: short protein forms P292L.
Identifiers: ClinVar variation 2635240 (VCV002635240.1), dbSNP rs1286464586, ClinGen allele CA391335643.